The following is an entry in ClinVar:

ClinVar aggregate classification (germline): Uncertain significance. Review status: criteria provided, multiple submitters, no conflicts (2 of 4 stars). 2 submissions from 2 submitters: Uncertain significance (2). Last evaluated 2025-06-30.

Conditions:
Candidiasis, familial, 9 (CANDF9). Identifiers: Orphanet 1334, MedGen C4225324, MONDO:0014642, OMIM 616445.

Allele frequency attached by ClinVar (database versions not stated): TOPMed 0.00001; ExAC 0.00003; gnomAD 0.00003 and 0.00004.
gnomAD v4.1: 24 of 1,614,036 alleles (0.0015%); highest among the groups gnomAD compares: East Asian, 0.0022%; no homozygotes.

Submissions (2):

Ambry Genetics
Classification: Uncertain significance. Last evaluated: 2025-06-30. Review status: criteria provided, single submitter. Criteria: Ambry Variant Classification Scheme 2023. Collection method: clinical testing. Allele origin: germline.

Labcorp Genetics (formerly Invitae), Labcorp
Classification: Uncertain significance for Candidiasis, familial, 9. Last evaluated: 2020-10-25. Review status: criteria provided, single submitter. Criteria: Invitae Variant Classification Sherloc (09022015). Collection method: clinical testing. Allele origin: germline.
Comment: Algorithms developed to predict the effect of missense changes on protein structure and function output the following: SIFT: "Tolerated"; PolyPhen-2: "Possibly Damaging"; Align-GVGD: "Class C0". The leucine amino acid residue is found in multiple mammalian species, suggesting that this missense change does not adversely affect protein function. These predictions have not been confirmed by published functional studies and their clinical significance is uncertain. This variant has not been reported in the literature in individuals with IL17RC-related conditions. This variant is present in population databases (rs746906866, ExAC 0.02%). This sequence change replaces proline with leucine at codon 35 of the IL17RC protein (p.Pro35Leu). The proline residue is moderately conserved and there is a moderate physicochemical difference between proline and leucine. In summary, the available evidence is currently insufficient to determine the role of this variant in disease. Therefore, it has been classified as a Variant of Uncertain Significance.

NM_153460.4(IL17RC):c.104C>T (p.Pro35Leu)

Gene: IL17RC (interleukin 17 receptor C; plus strand). Cytogenetic location: 3p25.3.
Variant type: single nucleotide variant.
Coding change: c.104C>T on transcript NM_153460.4 (MANE Select); coding-DNA position 104, C replaced by T.
Protein change: p.Pro35Leu; replaces proline 35 with leucine.
Molecular consequence: missense variant. On other transcripts: non-coding transcript variant (1).
Genome position (GRCh38, 1-based): chr3:9,917,419, C>T. VCF-style: chr3-9917419-C-T. GRCh37 (hg19) VCF-style: chr3-9959103-C-T.
Other names: c.104C>T, p.Pro35Leu (NM_001203263.2, NM_001203264.2, NM_001203265.2 and 5 more transcripts); c.104C>T (NM_153461.3); short protein forms P35L.
Identifiers: ClinVar variation 1407556 (VCV001407556.9), dbSNP rs746906866, ClinGen allele CA2246656.